The following is an entry in ClinVar:

ClinVar aggregate classification (germline): Benign/Likely benign. Review status: criteria provided, multiple submitters, no conflicts (2 of 4 stars). 16 submissions from 15 submitters: Benign (11); Likely benign (3). 2 of the submissions do not count toward it. Last evaluated 2026-02-02.

Conditions:
Connective tissue disorder. Also called: Connective tissue disease. Identifiers: MedGen C0009782, MONDO:0003900.
Ehlers-Danlos syndrome (EDS). Identifiers: Orphanet 98249, MedGen C0013720, MONDO:0020066.
Familial thoracic aortic aneurysm and aortic dissection (TAAD). Also called: Thoracic aortic aneurysms and dissections. Identifiers: Orphanet 91387, MedGen C4707243, MONDO:0019625.
Congenital contractural arachnodactyly (CCA). Also called: Beals-Hecht syndrome; Arthrogryposis, distal, type 9; BEALS SYNDROME. Identifiers: Orphanet 115, MedGen C0220668, MONDO:0007363, OMIM 121050.

Allele frequency attached by ClinVar (database versions not stated): ESP Exome Variant Server 0.00446; TOPMed 0.00485; 1000 Genomes Project 30x 0.00547; gnomAD 0.00570 and 0.00590; 1000 Genomes Project 0.00679; ExAC 0.00700; gnomAD exomes 0.00710 and 0.00719.
gnomAD v4.1: 11,277 of 1,613,926 alleles (0.7%); highest among the groups gnomAD compares: East Asian, 1.9%; 68 homozygotes.

Submissions (16):

Labcorp Genetics (formerly Invitae), Labcorp
Classification: Benign for Congenital contractural arachnodactyly. Last evaluated: 2026-02-02. Review status: criteria provided, single submitter. Criteria: Invitae Variant Classification Sherloc (09022015). Collection method: clinical testing. Allele origin: germline.

ARUP Laboratories, Molecular Genetics and Genomics, ARUP Laboratories
Classification: Benign. Last evaluated: 2025-05-26. Review status: criteria provided, single submitter. Criteria: ARUP Molecular Germline Variant Investigation Process 2024. Collection method: clinical testing. Allele origin: germline.

Blueprint Genetics
Classification: Likely benign. Last evaluated: 2024-11-26. Review status: criteria provided, single submitter. Criteria: ACMG Guidelines, 2015. Collection method: clinical testing. Allele origin: germline.

Women's Health and Genetics/Laboratory Corporation of America, LabCorp
Classification: Benign. Last evaluated: 2023-07-21. Review status: criteria provided, single submitter. Criteria: LabCorp Variant Classification Summary - May 2015. Collection method: clinical testing. Allele origin: germline.

Genome Diagnostics Laboratory, The Hospital for Sick Children
Classification: Benign for Ehlers-Danlos syndrome. Last evaluated: 2021-11-13. Review status: criteria provided, single submitter. Criteria: ACMG Guidelines, 2015. Collection method: clinical testing. Allele origin: germline.

Genome Diagnostics Laboratory, The Hospital for Sick Children
Classification: Benign for Connective tissue disorder. Last evaluated: 2018-11-01. Review status: criteria provided, single submitter. Criteria: ACMG Guidelines, 2015. Collection method: clinical testing. Allele origin: germline.

Illumina Laboratory Services, Illumina
Classification: Benign for Congenital contractural arachnodactyly. Last evaluated: 2018-01-12. Review status: criteria provided, single submitter. Criteria: ICSL Variant Classification Criteria 13 December 2019. Collection method: clinical testing. Allele origin: germline.
Comment: This variant was observed in the ICSL laboratory as part of a predisposition screen in an ostensibly healthy population. It had not been previously curated by ICSL or reported in the Human Gene Mutation Database (HGMD: prior to June 1st, 2018), and was therefore a candidate for classification through an automated scoring system. Utilizing variant allele frequency, disease prevalence and penetrance estimates, and inheritance mode, an automated score was calculated to assess if this variant is too frequent to cause the disease. Based on the score and internal cut-off values, a variant classified as benign is not then subjected to further curation. The score for this variant resulted in a classification of benign for this disease.

Center for Human Genetics, Inc
Classification: Likely benign for Connective tissue disorder. Last evaluated: 2016-11-01. Review status: criteria provided, single submitter. Criteria: ACMG Guidelines, 2015. Collection method: clinical testing. Allele origin: germline. Affected: yes.

Mayo Clinic Laboratories, Mayo Clinic
Classification: Benign. Last evaluated: 2016-05-03. Review status: criteria provided, single submitter. Criteria: ACMG Guidelines, 2015. Collection method: clinical testing. Allele origin: germline. Observed: 6 variant alleles.

Eurofins Ntd Llc (ga)
Classification: Benign. Last evaluated: 2015-05-20. Review status: criteria provided, single submitter. Criteria: EGL Classification Definitions 2015. Collection method: clinical testing. Allele origin: germline. Observed: 1 variant allele, 1 heterozygote.

Ambry Genetics
Classification: Benign for Familial thoracic aortic aneurysm and aortic dissection. Last evaluated: 2015-02-13. Review status: criteria provided, single submitter. Criteria: Ambry Variant Classification Scheme 2023. Collection method: clinical testing. Allele origin: germline.

GeneDx
Classification: Benign. Last evaluated: 2013-02-21. Review status: criteria provided, single submitter. Criteria: GeneDx Variant Classification (06012015). Collection method: clinical testing. Allele origin: germline. Affected: yes.
Comment: This variant is considered likely benign or benign based on one or more of the following criteria: it is a conservative change, it occurs at a poorly conserved position in the protein, it is predicted to be benign by multiple in silico algorithms, and/or has population frequency not consistent with disease.

Breakthrough Genomics
Classification: Likely benign. Review status: criteria provided, single submitter. Criteria: ACMG Guidelines, 2015. Collection method: not provided. Allele origin: germline. Inheritance: Autosomal dominant inheritance. Affected: yes.

PreventionGenetics, part of Exact Sciences
Classification: Benign. Review status: criteria provided, single submitter. Criteria: ACMG Guidelines, 2015. Collection method: clinical testing. Allele origin: germline.

Genome Diagnostics Laboratory, Amsterdam University Medical Center
Classification: Benign. Review status: no assertion criteria provided. Collection method: clinical testing. Allele origin: germline. Affected: yes. Study: VKGL Data-share Consensus. Not counted in ClinVar's aggregate classification.

Laboratory of Diagnostic Genome Analysis, Leiden University Medical Center (LUMC)
Classification: Likely benign. Review status: no assertion criteria provided. Collection method: clinical testing. Allele origin: germline. Affected: yes. Study: VKGL Data-share Consensus. Not counted in ClinVar's aggregate classification.

NM_001999.4(FBN2):c.3762C>T (p.Asp1254=)

Gene: FBN2 (fibrillin 2; minus strand). Cytogenetic location: 5q23.3.
Variant type: single nucleotide variant.
Coding change: c.3762C>T on transcript NM_001999.4 (MANE Select); coding-DNA position 3762, C replaced by T.
Protein change: p.Asp1254=; no amino-acid change (aspartic acid 1254 retained).
Molecular consequence: synonymous variant.
Genome position (GRCh38, 1-based): chr5:128,335,540, G>A on the plus strand (C>T on the coding strand, the complement: FBN2 is on the minus strand). VCF-style: chr5-128335540-G-A. GRCh37 (hg19) VCF-style: chr5-127671232-G-A.
Other names: p.D1254D:GAC>GAT; p.Asp1254=.
Identifiers: ClinVar variation 137325 (VCV000137325.43), dbSNP rs2279582, ClinGen allele CA302917.